The following is an entry in ClinVar:

NM_032638.5(GATA2):c.1306_1307insTCCA (p.His436fs)

Gene: GATA2 (GATA binding protein 2; minus strand). Cytogenetic location: 3q21.3.
Variant type: Insertion.
Coding change: c.1306_1307insTCCA on transcript NM_032638.5 (MANE Select); coding-DNA positions 1306 to 1307, TCCA inserted.
Protein change: p.His436fs; shifts the reading frame from histidine 436.
Molecular consequence: frameshift variant.
Genome position: GRCh38 VCF-style: chr3-128481155-T-TTGGA. GRCh37 (hg19) VCF-style: chr3-128199998-T-TTGGA.
Other names: c.1306_1307insTCCA, p.His436fs (NM_001145661.2); c.1264_1265insTCCA, p.His422fs (NM_001145662.1); short protein forms H436fs, H422fs.
Identifiers: ClinVar variation 2011603 (VCV002011603.4), dbSNP rs2472918793, ClinGen allele CA2580068691.

ClinVar aggregate classification (germline): Uncertain significance (1 of 4 stars; one submission).

Conditions:
Deafness-lymphedema-leukemia syndrome. Also called: Emberger syndrome; Lymphedema, primary, with myelodysplasia. Identifiers: Orphanet 3226, MedGen C3279664, MONDO:0013540, OMIM 614038.
Monocytopenia with susceptibility to infections. Also called: MONOCYTOPENIA AND MYCOBACTERIAL INFECTION SYNDROME; MONOCYTOPENIA WITH SUSCEPTIBILITY TO MYCOBACTERIAL, FUNGAL, AND PAPILLOMAVIRUS INFECTIONS AND MYELODYSPLASIA; COMBINED IMMUNODEFICIENCY WITH SUSCEPTIBILITY TO MYCOBACTERIAL, VIRAL, AND FUNGAL INFECTIONS; Dendritic cell, monocyte, B lymphocyte, and natural killer lymphocyte deficiency; IMMUNODEFICIENCY 21; GATA2 DEFICIENCY. Identifiers: Orphanet 228423, MedGen C3280030, MONDO:0013607, OMIM 614172.

Submission:

Labcorp Genetics (formerly Invitae), Labcorp
Classification: Uncertain significance for Monocytopenia with susceptibility to infections; Deafness-lymphedema-leukemia syndrome. Last evaluated: 2022-06-27. Review status: criteria provided, single submitter. Criteria: Invitae Variant Classification Sherloc (09022015). Collection method: clinical testing. Allele origin: germline.
Comment: In summary, the available evidence is currently insufficient to determine the role of this variant in disease. Therefore, it has been classified as a Variant of Uncertain Significance. Experimental studies and prediction algorithms are not available or were not evaluated, and the functional significance of this variant is currently unknown. This variant has not been reported in the literature in individuals affected with GATA2-related conditions. This variant is not present in population databases (gnomAD no frequency). This sequence change results in a frameshift in the GATA2 gene (p.His436Leufs*101). While this is not anticipated to result in nonsense mediated decay, it is expected to disrupt the last 45 amino acid(s) of the GATA2 protein and extend the protein by 55 additional amino acid residues.